The following is an entry in ClinVar:

NM_020207.7(ERCC6L2):c.442G>A (p.Asp148Asn)

Gene: ERCC6L2 (ERCC excision repair 6 like 2; plus strand). Cytogenetic location: 9q22.32.
Variant type: single nucleotide variant.
Coding change: c.442G>A on transcript NM_020207.7 (MANE Select); coding-DNA position 442, G replaced by A.
Protein change: p.Asp148Asn; replaces aspartic acid 148 with asparagine.
Molecular consequence: missense variant. On other transcripts: non-coding transcript variant (1).
Genome position (GRCh38, 1-based): chr9:95,881,264, G>A. VCF-style: chr9-95881264-G-A. GRCh37 (hg19) VCF-style: chr9-98643546-G-A.
Other names: c.442G>A, p.Asp148Asn (NM_001010895.4, NM_001375291.1, NM_001375292.1 and 2 more transcripts); short protein forms D148N.
Identifiers: ClinVar variation 4019335 (VCV004019335.1).

ClinVar aggregate classification (germline): Uncertain significance (1 of 4 stars; one submission).

Conditions:
Inborn genetic diseases. Identifiers: MedGen C0950123, MeSH D030342.

Submission:

Ambry Genetics
Classification: Uncertain significance for Inborn genetic diseases. Last evaluated: 2025-05-01. Review status: criteria provided, single submitter. Criteria: Ambry Variant Classification Scheme 2023. Collection method: clinical testing. Allele origin: germline.
Comment: The p.D148N variant (also known as c.442G>A), located in coding exon 2 of the ERCC6L2 gene, results from a G to A substitution at nucleotide position 442. The aspartic acid at codon 148 is replaced by asparagine, an amino acid with highly similar properties. This amino acid position is conserved. In addition, the in silico prediction for this alteration is inconclusive. Based on the available evidence, the clinical significance of this variant remains unclear.